The following is an entry in ClinVar:

NM_130837.3(OPA1):c.2983+6T>A

Gene: OPA1 (OPA1 mitochondrial dynamin like GTPase; plus strand). Cytogenetic location: 3q29.
Variant type: single nucleotide variant.
Coding change: c.2983+6T>A on transcript NM_130837.3 (MANE Select); 6 bases into the intron after coding-DNA position 2983, T replaced by A.
Molecular consequence: intron variant.
Genome position (GRCh38, 1-based): chr3:193,667,286, T>A. VCF-style: chr3-193667286-T-A. GRCh37 (hg19) VCF-style: chr3-193385075-T-A.
Other names: c.2446+6T>A (NM_001354664.2); c.2449+6T>A (NM_001354663.2); c.2872+6T>A (NM_130834.3); c.2929+6T>A (NM_130836.3); c.2818+6T>A (NM_015560.3); c.2875+6T>A (NM_130835.3); c.2764+6T>A (NM_130832.3); c.2821+6T>A (NM_130833.3); and 1 more.
Identifiers: ClinVar variation 802043 (VCV000802043.5), dbSNP rs1577335678, ClinGen allele CA915944116.

ClinVar aggregate classification (germline): Conflicting classifications of pathogenicity. Review status: criteria provided, conflicting classifications (1 of 4 stars). 2 submissions from 2 submitters: Likely pathogenic (1); Uncertain significance (1). Last evaluated 2022-05-17.

Conditions:
Autosomal dominant optic atrophy classic form (OPA1). Also called: OPTIC ATROPHY, JUVENILE; KJER-TYPE OPTIC ATROPHY; Optic Atrophy Type 1. Identifiers: Orphanet 98673, MedGen C0338508, MONDO:0008134, OMIM 165500.

Allele frequency attached by ClinVar (database versions not stated): gnomAD exomes 0.00001.
gnomAD v4.1: 7 of 1,217,452 alleles (0.00057%); highest among the groups gnomAD compares: Non-Finnish European, 0.00073%; no homozygotes.

Submissions (2):

Labcorp Genetics (formerly Invitae), Labcorp
Classification: Uncertain significance. Last evaluated: 2022-05-17. Review status: criteria provided, single submitter. Criteria: Invitae Variant Classification Sherloc (09022015). Collection method: clinical testing. Allele origin: germline.
Comment: In summary, the available evidence is currently insufficient to determine the role of this variant in disease. Therefore, it has been classified as a Variant of Uncertain Significance. Variants that disrupt the consensus splice site are a relatively common cause of aberrant splicing (PMID: 17576681, 9536098). Algorithms developed to predict the effect of sequence changes on RNA splicing suggest that this variant may disrupt the consensus splice site. ClinVar contains an entry for this variant (Variation ID: 802043). This variant has not been reported in the literature in individuals affected with OPA1-related conditions. This variant is not present in population databases (gnomAD no frequency). This sequence change falls in intron 27 of the OPA1 gene. It does not directly change the encoded amino acid sequence of the OPA1 protein. It affects a nucleotide within the consensus splice site.

Mendelics
Classification: Likely pathogenic for Autosomal dominant optic atrophy classic form. Last evaluated: 2019-05-28. Review status: criteria provided, single submitter. Criteria: Mendelics Assertion Criteria 2017. Collection method: clinical testing. Allele origin: unknown.

Literature cited by the submitters: PubMed 17576681 (cited by Labcorp Genetics (formerly Invitae), Labcorp); PubMed 9536098 (cited by Labcorp Genetics (formerly Invitae), Labcorp).